The following is an entry in ClinVar:

ClinVar aggregate classification (germline): Uncertain significance. Review status: criteria provided, multiple submitters, no conflicts (2 of 4 stars). 5 submissions from 5 submitters: Uncertain significance (5). Last evaluated 2025-11-10.

Conditions:
Hereditary cancer-predisposing syndrome. Also called: Neoplastic Syndromes, Hereditary; Tumor predisposition; Hereditary neoplastic syndrome; Hereditary Cancer Syndrome. Identifiers: Orphanet 140162, MedGen C0027672, MeSH D009386, MONDO:0015356.
Pheochromocytoma. Also called: MAX-Related Hereditary Paraganglioma-Pheochromocytoma Syndrome. Identifiers: Orphanet 29072, MedGen C0031511, MONDO:0008233, OMIM 171300, HP:0002666.
Cowden syndrome 3 (CWS3). Identifiers: Orphanet 201, MedGen CN166604, MONDO:0014045.
Carney-Stratakis syndrome. Also called: PARAGANGLIOMA AND GASTROINTESTINAL STROMAL TUMOR. Identifiers: Orphanet 97286, MedGen C1847319, MONDO:0011740, OMIM 606864.
Paragangliomas with sensorineural hearing loss. Identifiers: MedGen C1868633.

Submissions (5):

Labcorp Genetics (formerly Invitae), Labcorp
Classification: Uncertain significance for Carney-Stratakis syndrome; Paragangliomas with sensorineural hearing loss; Pheochromocytoma; Cowden syndrome 3. Last evaluated: 2025-11-10. Review status: criteria provided, single submitter. Criteria: Invitae Variant Classification Sherloc (09022015). Collection method: clinical testing. Allele origin: germline.
Comment: This sequence change replaces glycine, which is neutral and non-polar, with cysteine, which is neutral and slightly polar, at codon 16 of the SDHD protein (p.Gly16Cys). This variant is not present in population databases (gnomAD no frequency). This variant has not been reported in the literature in individuals affected with SDHD-related conditions. ClinVar contains an entry for this variant (Variation ID: 465242). Invitae Evidence Modeling of protein sequence and biophysical properties (such as structural, functional, and spatial information, amino acid conservation, physicochemical variation, residue mobility, and thermodynamic stability) indicates that this missense variant is not expected to disrupt SDHD protein function with a negative predictive value of 80%. In summary, the available evidence is currently insufficient to determine the role of this variant in disease. Therefore, it has been classified as a Variant of Uncertain Significance.

GeneDx
Classification: Uncertain significance. Last evaluated: 2025-10-21. Review status: criteria provided, single submitter. Criteria: GeneDx Variant Classification Process June 2021. Collection method: clinical testing. Allele origin: germline.
Comment: Not observed at significant frequency in large population cohorts (gnomAD); In silico analysis supports that this missense variant has a deleterious effect on protein structure/function; Has not been previously published as pathogenic or benign to our knowledge

Quest Diagnostics Nichols Institute San Juan Capistrano
Classification: Uncertain significance. Last evaluated: 2024-10-25. Review status: criteria provided, single submitter. Criteria: Quest Diagnostics criteria. Collection method: clinical testing. Allele origin: unknown.
Comment: The SDHD c.46G>T (p.Gly16Cys) variant has not been reported in individuals with SDHD-related conditions in the published literature. It also has not been reported in large, multi-ethnic general populations (Genome Aggregation Database). Analysis of this variant using bioinformatics tools for the prediction of the effect of amino acid changes on protein structure and function yielded predictions that this variant is benign. Based on the available information, we are unable to determine the clinical significance of this variant.

Ambry Genetics
Classification: Uncertain significance for Hereditary cancer-predisposing syndrome. Last evaluated: 2024-04-22. Review status: criteria provided, single submitter. Criteria: Ambry Variant Classification Scheme 2023. Collection method: clinical testing. Allele origin: germline.
Comment: The p.G16C variant (also known as c.46G>T), located in coding exon 1 of the SDHD gene, results from a G to T substitution at nucleotide position 46. The glycine at codon 16 is replaced by cysteine, an amino acid with highly dissimilar properties. This amino acid position is not well conserved in available vertebrate species. In addition, this alteration is predicted to be deleterious by in silico analysis. Based on the available evidence, the clinical significance of this variant remains unclear.

Revvity Omics, Revvity
Classification: Uncertain significance. Last evaluated: 2019-05-21. Review status: criteria provided, single submitter. Criteria: ACMG Guidelines, 2015. Collection method: clinical testing. Allele origin: germline.

NM_003002.4(SDHD):c.46G>T (p.Gly16Cys)

Genes: SDHD (succinate dehydrogenase complex subunit D; plus strand), LOC126861339 (BRD4-independent group 4 enhancer GRCh37_chr11:111957035-111958234; plus strand). Cytogenetic location: 11q23.1.
Variant type: single nucleotide variant.
Coding change: c.46G>T on transcript NM_003002.4 (MANE Select); coding-DNA position 46, G replaced by T.
Protein change: p.Gly16Cys; replaces glycine 16 with cysteine.
Molecular consequence: missense variant. On other transcripts: non-coding transcript variant (1).
Genome position (GRCh38, 1-based): chr11:112,086,953, G>T. VCF-style: chr11-112086953-G-T. GRCh37 (hg19) VCF-style: chr11-111957677-G-T.
Other names: c.46G>T, p.Gly16Cys (NM_001276503.2, NM_001276504.2, NM_001276506.2); c.46G>T (NM_003002.2); short protein forms G16C.
Identifiers: ClinVar variation 465242 (VCV000465242.13), dbSNP rs1555186687, ClinGen allele CA382616751.